The following is an entry in ClinVar:

NM_002880.4(RAF1):c.482A>G (p.Asn161Ser)

Gene: RAF1 (Raf-1 proto-oncogene, serine/threonine kinase; minus strand). Cytogenetic location: 3p25.2.
Variant type: single nucleotide variant.
Coding change: c.482A>G on transcript NM_002880.4 (MANE Select); coding-DNA position 482, A replaced by G.
Protein change: p.Asn161Ser; replaces asparagine 161 with serine.
Molecular consequence: missense variant. On other transcripts: non-coding transcript variant (3).
Genome position (GRCh38, 1-based): chr3:12,608,865, T>C on the plus strand (A>G on the coding strand, the complement: RAF1 is on the minus strand). VCF-style: chr3-12608865-T-C. GRCh37 (hg19) VCF-style: chr3-12650364-T-C.
Other names: c.482A>G, p.Asn161Ser (NM_001354689.3, NM_001354690.3, NM_001354693.3); c.239A>G, p.Asn80Ser (NM_001354691.3, NM_001354692.3, NM_001354694.3 and 1 more transcripts); short protein forms N161S, N80S.
Identifiers: ClinVar variation 372647 (VCV000372647.16), dbSNP rs775781057, ClinGen allele CA2259755.

ClinVar aggregate classification (germline): Uncertain significance. Review status: criteria provided, multiple submitters, no conflicts (2 of 4 stars). 5 submissions from 5 submitters: Uncertain significance (5). Last evaluated 2026-07-19.

Conditions:
RAF1-related disorder. Also called: RAF1-related condition; RAF1-related disorders.
Noonan syndrome 5 (NS5). Also called: RAF1-Related Noonan Syndrome. Identifiers: Orphanet 648, MedGen C1969057, MONDO:0012690, OMIM 611553. Disease mechanism: gain of function.
LEOPARD syndrome 2 (LPRD2). Also called: RAF1-Related LEOPARD Syndrome. Identifiers: Orphanet 500, MedGen C1969056, MONDO:0012691, OMIM 611554.
Dilated cardiomyopathy 1NN. Identifiers: Orphanet 154, MedGen C4014656, MONDO:0014396, OMIM 615916.
Cardiovascular phenotype. Identifiers: MedGen CN230736.
RASopathy. Also called: rasopathies; Noonan spectrum disorder. Identifiers: Orphanet 536391, MedGen C5555857, MONDO:0021060.

Allele frequency attached by ClinVar (database versions not stated): ExAC 0.00001; gnomAD 0.00001; gnomAD exomes 0.00001; TOPMed 0.00001.

Submissions (5):

PreventionGenetics, part of Exact Sciences
Classification: Uncertain significance for RAF1-related condition. Last evaluated: 2026-07-19. Review status: criteria provided, single submitter. Criteria: ACMG Guidelines, 2015. Collection method: clinical testing. Allele origin: germline.
Comment: The RAF1 c.482A>G variant is predicted to result in the amino acid substitution p.Asn161Ser. To our knowledge, this variant has not been reported in the literature. This variant is reported in 0.0033% of alleles in individuals of South Asian descent in gnomAD. At this time, the clinical significance of this variant is uncertain due to the absence of conclusive functional and genetic evidence.

Labcorp Genetics (formerly Invitae), Labcorp
Classification: Uncertain significance for RASopathy. Last evaluated: 2025-10-06. Review status: criteria provided, single submitter. Criteria: Invitae Variant Classification Sherloc (09022015). Collection method: clinical testing. Allele origin: germline.
Comment: This sequence change replaces asparagine, which is neutral and polar, with serine, which is neutral and polar, at codon 161 of the RAF1 protein (p.Asn161Ser). This variant is present in population databases (rs775781057, gnomAD 0.003%). This variant has not been reported in the literature in individuals affected with RAF1-related conditions. ClinVar contains an entry for this variant (Variation ID: 372647). Invitae Evidence Modeling incorporating data from in vitro experimental studies (internal data) indicates that this missense variant is not expected to disrupt RAF1 function with a negative predictive value of 95%. In summary, the available evidence is currently insufficient to determine the role of this variant in disease. Therefore, it has been classified as a Variant of Uncertain Significance.

Ambry Genetics
Classification: Uncertain significance for Cardiovascular phenotype. Last evaluated: 2023-10-11. Review status: criteria provided, single submitter. Criteria: Ambry Variant Classification Scheme 2023. Collection method: clinical testing. Allele origin: germline.
Comment: The p.N161S variant (also known as c.482A>G), located in coding exon 4 of the RAF1 gene, results from an A to G substitution at nucleotide position 482. The asparagine at codon 161 is replaced by serine, an amino acid with highly similar properties. This amino acid position is well conserved in available vertebrate species. In addition, the in silico prediction for this alteration is inconclusive. Since supporting evidence is limited at this time, the clinical significance of this alteration remains unclear.

Fulgent Genetics
Classification: Uncertain significance for Noonan syndrome 5; LEOPARD syndrome 2; Dilated cardiomyopathy 1NN. Last evaluated: 2021-09-27. Review status: criteria provided, single submitter. Criteria: ACMG Guidelines, 2015. Collection method: clinical testing. Allele origin: unknown.

GeneDx
Classification: Uncertain significance. Last evaluated: 2015-07-06. Review status: criteria provided, single submitter. Criteria: GeneDx Variant Classification (06012015). Collection method: clinical testing. Allele origin: germline. Affected: yes.
Comment: The N161S variant has not been published as a pathogenic variant, nor has it been reported as a benign polymorphism to our knowledge. The N161S variant was not observed in approximately 6500 individuals of European and African American ancestry in the NHLBI Exome Sequencing Project, indicating it is not a common benign variant in these populations. Additionally, the substitution is conserved across species. However, the N161S variant is a conservative amino acid substitution, which is not likely to impact secondary protein structure as these residues share similar properties. Moreover, missense variants in nearby residues have not been reported in the Human Gene Mutation Database (Stenson et al., 2014), indicating this region of the protein may be tolerant of change. In silico analysis is inconsistent in its predictions as to whether or not the variant is damaging to the protein structure/function. Therefore, based on the currently available information, it is unclear whether this variant is a pathogenic variant or a rare benign variant